The following is an entry in ClinVar:

ClinVar aggregate classification (germline): Uncertain significance (1 of 4 stars; one submission).

Submission:

Labcorp Genetics (formerly Invitae), Labcorp
Classification: Uncertain significance. Last evaluated: 2024-11-27. Review status: criteria provided, single submitter. Criteria: Invitae Variant Classification Sherloc (09022015). Collection method: clinical testing. Allele origin: germline.
Comment: This variant occurs in the MIR184 gene, which encodes an RNA molecule that does not result in a protein product. This variant is present in population databases (rs748764383, gnomAD 0.01%). This variant has not been reported in the literature in individuals affected with MIR184-related conditions. Experimental studies and prediction algorithms are not available or were not evaluated, and the functional significance of this variant is currently unknown. In summary, the available evidence is currently insufficient to determine the role of this variant in disease. Therefore, it has been classified as a Variant of Uncertain Significance.

NR_029705.1(MIR184):n.7_11dup

Genes: ANKRD34C-AS1 (ANKRD34C antisense RNA 1; minus strand), MIR184 (microRNA 184; plus strand). Cytogenetic location: 15q25.1.
Variant type: Duplication.
Molecular consequence: non-coding transcript variant (on NR_029705.1).
Genome position: GRCh38 VCF-style: chr15-79209790-A-AGTCAC. GRCh37 (hg19) VCF-style: chr15-79502132-A-AGTCAC.
Identifiers: ClinVar variation 3603672 (VCV003603672.2).